The following is an entry in ClinVar:

ClinVar aggregate classification (germline): Uncertain significance. Review status: criteria provided, multiple submitters, no conflicts (2 of 4 stars). 2 submissions from 2 submitters: Uncertain significance (2). Last evaluated 2022-10-17.

Allele frequency attached by ClinVar (database versions not stated): gnomAD exomes below 0.00001; gnomAD 0.00001; TOPMed 0.00001.
gnomAD v4.1: 5 of 1,563,582 alleles (0.00032%); highest among the groups gnomAD compares: Non-Finnish European, 0.00035%; no homozygotes.

Submissions (2):

Labcorp Genetics (formerly Invitae), Labcorp
Classification: Uncertain significance. Last evaluated: 2022-10-17. Review status: criteria provided, single submitter. Criteria: Invitae Variant Classification Sherloc (09022015). Collection method: clinical testing. Allele origin: germline.
Comment: In summary, the available evidence is currently insufficient to determine the role of this variant in disease. Therefore, it has been classified as a Variant of Uncertain Significance. Advanced modeling of protein sequence and biophysical properties (such as structural, functional, and spatial information, amino acid conservation, physicochemical variation, residue mobility, and thermodynamic stability) performed at Invitae indicates that this missense variant is not expected to disrupt DCHS1 protein function. This sequence change replaces isoleucine, which is neutral and non-polar, with valine, which is neutral and non-polar, at codon 2434 of the DCHS1 protein (p.Ile2434Val). This variant is not present in population databases (gnomAD no frequency). This variant has not been reported in the literature in individuals affected with DCHS1-related conditions. ClinVar contains an entry for this variant (Variation ID: 1312447).

GeneDx
Classification: Uncertain significance. Last evaluated: 2019-09-13. Review status: criteria provided, single submitter. Criteria: GeneDx Variant Classification Process June 2021. Collection method: clinical testing. Allele origin: germline. Affected: yes.
Comment: Not observed in large population cohorts (Lek et al., 2016); In silico analysis, which includes protein predictors and evolutionary conservation, supports that this variant does not alter protein structure/function; Has not been previously published as pathogenic or benign to our knowledge

NM_003737.4(DCHS1):c.7300A>G (p.Ile2434Val)

Gene: DCHS1 (dachsous cadherin-related 1; minus strand). Cytogenetic location: 11p15.4.
Variant type: single nucleotide variant.
Coding change: c.7300A>G on transcript NM_003737.4 (MANE Select); coding-DNA position 7300, A replaced by G.
Protein change: p.Ile2434Val; replaces isoleucine 2434 with valine.
Molecular consequence: missense variant.
Genome position (GRCh38, 1-based): chr11:6,624,376, T>C on the plus strand (A>G on the coding strand, the complement: DCHS1 is on the minus strand). VCF-style: chr11-6624376-T-C. GRCh37 (hg19) VCF-style: chr11-6645607-T-C.
Other names: short protein forms I2434V.
Identifiers: ClinVar variation 1312447 (VCV001312447.7), dbSNP rs1344297958, ClinGen allele CA379483359.